The following is an entry in ClinVar:

ClinVar aggregate classification (germline): Uncertain significance. Review status: criteria provided, multiple submitters, no conflicts (2 of 4 stars). 2 submissions from 2 submitters: Uncertain significance (2). Last evaluated 2024-11-04.

Conditions:
Developmental and epileptic encephalopathy, 1 (DEE1). Also called: X-linked infantile spasms; West's syndrome; Tonic spasms with clustering, arrest of psychomotor development and hypsarrhythmia on EEG; X-Linked Infantile Spasm Syndrome; OHTAHARA SYNDROME, X-LINKED; INFANTILE SPASM SYNDROME, X-LINKED 1. Identifiers: MedGen C3463992, MONDO:0010632, OMIM 308350. Disease mechanism: loss of function.
Intellectual disability, X-linked, with or without seizures, ARX-related. Also called: MENTAL RETARDATION, X-LINKED 29; MENTAL RETARDATION, X-LINKED 32; MENTAL RETARDATION, X-LINKED 33; MENTAL RETARDATION, X-LINKED 38; MENTAL RETARDATION, X-LINKED 43; MENTAL RETARDATION, X-LINKED 76. Identifiers: Orphanet 777, MedGen C0796244, MONDO:0010317, OMIM 300419.

Submissions (2):

Labcorp Genetics (formerly Invitae), Labcorp
Classification: Uncertain significance for Developmental and epileptic encephalopathy, 1; Intellectual disability, X-linked, with or without seizures, ARX-related. Last evaluated: 2024-11-04. Review status: criteria provided, single submitter. Criteria: Invitae Variant Classification Sherloc (09022015). Collection method: clinical testing. Allele origin: germline.
Comment: This variant, c.419_454del, results in the deletion of 12 amino acid(s) of the ARX protein (p.Asp140_Ala151del), but otherwise preserves the integrity of the reading frame. The frequency data for this variant in the population databases is considered unreliable, as metrics indicate insufficient coverage at this position in the gnomAD database. This variant has not been reported in the literature in individuals affected with ARX-related conditions. Experimental studies and prediction algorithms are not available or were not evaluated, and the functional significance of this variant is currently unknown. In summary, the available evidence is currently insufficient to determine the role of this variant in disease. Therefore, it has been classified as a Variant of Uncertain Significance.

GeneDx
Classification: Uncertain significance. Last evaluated: 2024-04-01. Review status: criteria provided, single submitter. Criteria: GeneDx Variant Classification Process June 2021. Collection method: clinical testing. Allele origin: germline. Affected: yes.
Comment: In-frame deletion of 12 amino acids including 8 alanine residues, in the second polyalanine tract, resulting in a total of 4 alanine residues; this overlaps with, but is not limited to, the second polyalanine repeat tract; Not observed at significant frequency in large population cohorts (gnomAD); In silico analysis supports that this variant does not alter protein structure/function; Has not been previously published as pathogenic or benign to our knowledge; This variant is associated with the following publications: (PMID: 20300201, 12874418, 26029707)

NM_139058.3(ARX):c.419_454del (p.Asp140_Ala151del)

Genes: ARX (aristaless related homeobox; minus strand), LOC109610631 (aristaless related homeobox polyalanine expansion region; plus strand). Cytogenetic location: Xp21.3.
Variant type: Deletion.
Coding change: c.419_454del on transcript NM_139058.3 (MANE Select); coding-DNA positions 419 to 454, 36 bases deleted.
Protein change: p.Asp140_Ala151del.
Genome position (GRCh38, 1-based): chrX:25,013,541-25,013,576, 36 bases deleted; deleting any 36 consecutive bases within chrX:25,013,541-25,013,579 gives the same sequence; the c. name uses the placement nearest the transcript's 3' end. GRCh37 (hg19): chrX:25,031,661-25,031,696.
Identifiers: ClinVar variation 3371940 (VCV003371940.3).